The following is an entry in ClinVar:

NM_000237.3(LPL):c.910A>C (p.Ser304Arg)

Gene: LPL (lipoprotein lipase; plus strand). Cytogenetic location: 8p21.3.
Variant type: single nucleotide variant.
Coding change: c.910A>C on transcript NM_000237.3 (MANE Select); coding-DNA position 910, A replaced by C.
Protein change: p.Ser304Arg; replaces serine 304 with arginine.
Molecular consequence: missense variant.
Genome position (GRCh38, 1-based): chr8:19,955,975, A>C. VCF-style: chr8-19955975-A-C. GRCh37 (hg19) VCF-style: chr8-19813486-A-C.
Other names: short protein forms S304R.
Identifiers: ClinVar variation 4995027 (VCV004995027.1).
Genomic context (GRCh38, chr8:19,955,975, plus strand): 5'-AATCCAAGTAAGGCCTACAGGTGCAGTTCCAAGGAAGCCTTTGAGAAAGGGCTCTGCTTG[A>C]GTTGTAGAAAGAACCGCTGCAACAATCTGGGCTATGAGATCAATAAAGTCAGAGCCAAAA-3'
Protein context (NP_000228.1, residues 294-314): KEAFEKGLCL[Ser304Arg]CRKNRCNNLG

ClinVar aggregate classification (germline): Uncertain significance (1 of 4 stars; one submission).

Conditions:
LPL-related disorder. Also called: LPL-related condition.

Submission:

PreventionGenetics, part of Exact Sciences
Classification: Uncertain significance for LPL-related condition. Last evaluated: 2025-09-05. Review status: criteria provided, single submitter. Criteria: ACMG Guidelines, 2015. Collection method: clinical testing. Allele origin: germline.
Comment: The LPL c.910A>C variant is predicted to result in the amino acid substitution p.Ser304Arg. To our knowledge, this variant has not been reported in the literature or in a large population database (gnomAD), indicating this variant is rare. At this time, the clinical significance of this variant is uncertain due to the absence of conclusive functional and genetic evidence.